The following is an entry in ClinVar:

NM_001375380.1(EBF3):c.555-2A>G

Gene: EBF3 (EBF transcription factor 3; minus strand). Cytogenetic location: 10q26.3.
Variant type: single nucleotide variant.
Coding change: c.555-2A>G on transcript NM_001375380.1 (MANE Select); the canonical splice acceptor site of the intron before coding-DNA position 555, A replaced by G.
Molecular consequence: splice acceptor variant.
Genome position (GRCh38, 1-based): chr10:129,877,851, T>C on the plus strand (A>G on the coding strand, the complement: EBF3 is on the minus strand). VCF-style: chr10-129877851-T-C. GRCh37 (hg19) VCF-style: chr10-131676115-T-C.
Other names: c.555-2A>G (NM_001375392.1, NM_001005463.3, NM_001375390.1 and 3 more transcripts).
Identifiers: ClinVar variation 4081363 (VCV004081363.1).

ClinVar aggregate classification (germline): Likely pathogenic. Review status: criteria provided, multiple submitters, no conflicts (2 of 4 stars). 2 submissions from 2 submitters: Likely pathogenic (2). Last evaluated 2025-06-02.

Conditions:
Hypotonia, ataxia, and delayed development syndrome (HADDS). Also called: EBF3 Neurodevelopmental Disorder. Identifiers: Orphanet 658843, MedGen C4310618, MONDO:0015021, OMIM 617330.

Submissions (2):

Revvity Omics, Revvity
Classification: Likely pathogenic for Hypotonia, ataxia, and delayed development syndrome. Last evaluated: 2025-06-02. Review status: criteria provided, single submitter. Criteria: ACMG Guidelines, 2015. Collection method: clinical testing. Allele origin: germline.

Variantyx, Inc.
Classification: Likely pathogenic for Hypotonia, ataxia, and delayed development syndrome. Last evaluated: 2025-04-17. Review status: criteria provided, single submitter. Criteria: Variantyx Assertion Criteria 2022. Collection method: clinical testing. Allele origin: de novo. Inheritance: Autosomal dominant inheritance. Affected: yes.
Comment: This is a canonical splicing variant in the EBF3 gene (OMIM: 607407). Pathogenic variants in this gene have been associated with autosomal dominant hypotonia, ataxia, and delayed development syndrome (HADDS). Loss of function is a known disease mechanism for EBF3 in this disorder (PMID: 28017370, 35340043). However, the functional consequence of this splicing variant cannot be predicted with certainty (PVS1_Moderate). This variant is absent from control populations (PM2) ad it has not been reported in individuals with EBF3-related disorders in the databases available for review. Based on the current evidence, this variant is classified as likely pathogenic for autosomal dominant hypotonia, ataxia, and delayed development syndrome (HADDS).

Literature cited by the submitters: PubMed 28017370 (cited by Variantyx, Inc.); PubMed 35340043 (cited by Variantyx, Inc.).